The following is an entry in ClinVar:

ClinVar aggregate classification (germline): Uncertain significance (1 of 4 stars; one submission).

Conditions:
Multiple endocrine neoplasia, type 1 (MEN1). Also called: MEN I; WERMER SYNDROME; Endocrine adenomatosis multiple; MEN 1; MEA I. Identifiers: Orphanet 652, MedGen C0025267, MeSH D018761, MONDO:0007540, OMIM 131100.

Submission:

Labcorp Genetics (formerly Invitae), Labcorp
Classification: Uncertain significance for Multiple endocrine neoplasia, type 1. Last evaluated: 2021-03-08. Review status: criteria provided, single submitter. Criteria: Invitae Variant Classification Sherloc (09022015). Collection method: clinical testing. Allele origin: germline.
Comment: This sequence change replaces valine with methionine at codon 157 of the MEN1 protein (p.Val157Met). The valine residue is highly conserved and there is a small physicochemical difference between valine and methionine. This variant is not present in population databases (ExAC no frequency). This variant has not been reported in the literature in individuals with MEN1-related conditions. ClinVar contains an entry for this variant (Variation ID: 527261). Advanced modeling of protein sequence and biophysical properties (such as structural, functional, and spatial information, amino acid conservation, physicochemical variation, residue mobility, and thermodynamic stability) performed at Invitae indicates that this missense variant is expected to disrupt MEN1 protein function. In summary, the available evidence is currently insufficient to determine the role of this variant in disease. Therefore, it has been classified as a Variant of Uncertain Significance.

NM_001370259.2(MEN1):c.469G>A (p.Val157Met)

Gene: MEN1 (menin 1; minus strand). Cytogenetic location: 11q13.1.
Variant type: single nucleotide variant.
Coding change: c.469G>A on transcript NM_001370259.2 (MANE Select); coding-DNA position 469, G replaced by A.
Protein change: p.Val157Met; replaces valine 157 with methionine.
Molecular consequence: missense variant.
Genome position (GRCh38, 1-based): chr11:64,808,076, C>T on the plus strand (G>A on the coding strand, the complement: MEN1 is on the minus strand). VCF-style: chr11-64808076-C-T. GRCh37 (hg19) VCF-style: chr11-64575548-C-T.
Other names: c.484G>A, p.Val162Met (NM_000244.4, NM_130800.3, NM_130801.3 and 3 more transcripts); c.469G>A, p.Val157Met (NM_001370251.2, NM_001370260.2, NM_001370261.2 and 3 more transcripts); short protein forms V157M, V162M.
Identifiers: ClinVar variation 527261 (VCV000527261.8), dbSNP rs1555165872, ClinGen allele CA381186239.
Genomic context (GRCh38, chr11:64,808,076, plus strand): 5'-GGGCGAGGTGGACATCCCGGAGACCCAGGGCCTGGCAGGCCCCAACCACAGCAAAGGCCA[C>T]ACCGGAGCTGTCCAATTTGGTGCCTGTGGAAGGGGGAGGTAATGAAAGAGGGTCCTCTGT-3'
Protein context (NP_001357188.2, residues 147-167): ITGTKLDSSG[Val157Met]AFAVVGACQA